The following is an entry in ClinVar:

ClinVar aggregate classification (germline): Uncertain significance. Review status: criteria provided, multiple submitters, no conflicts (2 of 4 stars). 4 submissions from 4 submitters: Uncertain significance (4). Last evaluated 2025-09-10.

Conditions:
Hereditary cancer-predisposing syndrome. Also called: Neoplastic Syndromes, Hereditary; Hereditary Cancer Syndrome; Hereditary neoplastic syndrome; Tumor predisposition. Identifiers: Orphanet 140162, MedGen C0027672, MeSH D009386, MONDO:0015356.
Gastrointestinal stromal tumor. Also called: Gastrointestinal stromal tumor, somatic; Gastrointestinal stroma tumor. Identifiers: Orphanet 44890, MedGen C0238198, MeSH D046152, MONDO:0011719, OMIM 606764, HP:0100723.

Allele frequency attached by ClinVar (database versions not stated): gnomAD exomes below 0.00001; TOPMed below 0.00001; ExAC 0.00001.

Submissions (4):

Ambry Genetics
Classification: Uncertain significance for Hereditary cancer-predisposing syndrome. Last evaluated: 2025-09-10. Review status: criteria provided, single submitter. Criteria: Ambry Variant Classification Scheme 2023. Collection method: clinical testing. Allele origin: germline.
Comment: The p.S616R variant (also known as c.1848C>G), located in coding exon 12 of the PDGFRA gene, results from a C to G substitution at nucleotide position 1848. The serine at codon 616 is replaced by arginine, an amino acid with dissimilar properties. This amino acid position is well conserved in available vertebrate species. In addition, the in silico prediction for this alteration is inconclusive. Since supporting evidence is limited at this time, the clinical significance of this alteration remains unclear.

Labcorp Genetics (formerly Invitae), Labcorp
Classification: Uncertain significance for Gastrointestinal stromal tumor. Last evaluated: 2025-08-31. Review status: criteria provided, single submitter. Criteria: Invitae Variant Classification Sherloc (09022015). Collection method: clinical testing. Allele origin: germline.
Comment: This sequence change replaces serine, which is neutral and polar, with arginine, which is basic and polar, at codon 616 of the PDGFRA protein (p.Ser616Arg). This variant is present in population databases (rs780111998, gnomAD 0.0009%). This missense change has been observed in individual(s) with orofacial clefts (PMID: 37350193). ClinVar contains an entry for this variant (Variation ID: 407377). Invitae Evidence Modeling of protein sequence and biophysical properties (such as structural, functional, and spatial information, amino acid conservation, physicochemical variation, residue mobility, and thermodynamic stability) indicates that this missense variant is not expected to disrupt PDGFRA protein function with a negative predictive value of 80%. In summary, the available evidence is currently insufficient to determine the role of this variant in disease. Therefore, it has been classified as a Variant of Uncertain Significance.

GeneDx
Classification: Uncertain significance. Last evaluated: 2023-04-07. Review status: criteria provided, single submitter. Criteria: GeneDx Variant Classification Process June 2021. Collection method: clinical testing. Allele origin: germline. Affected: yes.
Comment: Not observed at significant frequency in large population cohorts (gnomAD); In silico analysis supports that this missense variant has a deleterious effect on protein structure/function; Has not been previously published as pathogenic or benign to our knowledge

ARUP Laboratories, Molecular Genetics and Genomics, ARUP Laboratories
Classification: Uncertain significance. Last evaluated: 2023-02-16. Review status: criteria provided, single submitter. Criteria: ARUP Molecular Germline Variant Investigation Process 2024. Collection method: clinical testing. Allele origin: germline.
Comment: The PDGFRA c.1848C>G; p.Ser616Arg variant (rs780111998), to our knowledge, is not reported in the medical literature but is reported in ClinVar (Variation ID: 407377). This variant is only found on one allele in the Genome Aggregation Database, indicating it is not a common polymorphism. Computational analyses are uncertain whether this variant is neutral or deleterious (REVEL: 0.594). Due to limited information, the clinical significance of this variant is uncertain at this time.

Literature cited by the submitters: PubMed 37350193 (cited by Labcorp Genetics (formerly Invitae), Labcorp).

NM_006206.6(PDGFRA):c.1848C>G (p.Ser616Arg)

Gene: PDGFRA (platelet derived growth factor receptor alpha; plus strand). Cytogenetic location: 4q12.
Variant type: single nucleotide variant.
Coding change: c.1848C>G on transcript NM_006206.6 (MANE Select); coding-DNA position 1848, C replaced by G.
Protein change: p.Ser616Arg; replaces serine 616 with arginine.
Molecular consequence: missense variant.
Genome position (GRCh38, 1-based): chr4:54,277,449, C>G. VCF-style: chr4-54277449-C-G. GRCh37 (hg19) VCF-style: chr4-55143616-C-G.
Other names: c.1848C>G, p.Ser616Arg (NM_001347827.2, NM_001347829.2); c.1923C>G, p.Ser641Arg (NM_001347828.2); c.1887C>G, p.Ser629Arg (NM_001347830.2); short protein forms S616R, S629R, S641R.
Identifiers: ClinVar variation 407377 (VCV000407377.20), dbSNP rs780111998, ClinGen allele CA2922689.
Genomic context (GRCh38, chr4:54,277,449, plus strand): 5'-TCGGGTCTTGGGGTCTGGAGCGTTTGGGAAGGTGGTTGAAGGAACAGCCTATGGATTAAG[C>G]CGGTCCCAACCTGTCATGAAAGTTGCAGTGAAGATGCTAAAACGTAAGTGCTCCTTCCTG-3'
Protein context (NP_006197.1, residues 606-626): KVVEGTAYGL[Ser616Arg]RSQPVMKVAV